The following is an entry in ClinVar:

NM_001999.4(FBN2):c.1553G>A (p.Arg518Gln)

Gene: FBN2 (fibrillin 2; minus strand). Cytogenetic location: 5q23.3.
Variant type: single nucleotide variant.
Coding change: c.1553G>A on transcript NM_001999.4 (MANE Select); coding-DNA position 1553, G replaced by A.
Protein change: p.Arg518Gln; replaces arginine 518 with glutamine.
Molecular consequence: missense variant.
Genome position (GRCh38, 1-based): chr5:128,392,068, C>T on the plus strand (G>A on the coding strand, the complement: FBN2 is on the minus strand). VCF-style: chr5-128392068-C-T. GRCh37 (hg19) VCF-style: chr5-127727761-C-T.
Other names: short protein forms R518Q.
Identifiers: ClinVar variation 519822 (VCV000519822.16), dbSNP rs748051713, ClinGen allele CA3395775.
Genomic context (GRCh38, chr5:128,392,068, plus strand): 5'-ACAAACTTACCTATACAATCTCCATTTGCATCCTGCTTATAACCCATGTTGCATTCACAT[C>T]GGTAGCTTGAGACAGTTGGTATACAGCGTCCATTTAAACAAAGGTTAGCATGATGCTTAC-3'
Protein context (NP_001990.2, residues 508-528): GRCIPTVSSY[Arg518Gln]CECNMGYKQD

ClinVar aggregate classification (germline): Conflicting classifications of pathogenicity. Review status: criteria provided, conflicting classifications (1 of 4 stars). 2 submissions from 2 submitters: Uncertain significance (1); Likely benign (1). Last evaluated 2025-05-25.

Conditions:
Congenital contractural arachnodactyly (CCA). Also called: BEALS SYNDROME; Beals-Hecht syndrome; Arthrogryposis, distal, type 9. Identifiers: Orphanet 115, MedGen C0220668, MONDO:0007363, OMIM 121050.
Familial thoracic aortic aneurysm and aortic dissection (TAAD). Also called: Thoracic aortic aneurysms and dissections. Identifiers: Orphanet 91387, MedGen C4707243, MONDO:0019625.

Allele frequency attached by ClinVar (database versions not stated): gnomAD 0.00002; TOPMed 0.00002.

Submissions (2):

Labcorp Genetics (formerly Invitae), Labcorp
Classification: Likely benign for Congenital contractural arachnodactyly. Last evaluated: 2025-05-25. Review status: criteria provided, single submitter. Criteria: Invitae Variant Classification Sherloc (09022015). Collection method: clinical testing. Allele origin: germline.

Ambry Genetics
Classification: Uncertain significance for Familial thoracic aortic aneurysm and aortic dissection. Last evaluated: 2024-10-28. Review status: criteria provided, single submitter. Criteria: Ambry Variant Classification Scheme 2023. Collection method: clinical testing. Allele origin: germline.
Comment: The p.R518Q variant (also known as c.1553G>A), located in coding exon 11 of the FBN2 gene, results from a G to A substitution at nucleotide position 1553. The arginine at codon 518 is replaced by glutamine, an amino acid with highly similar properties. This amino acid position is highly conserved in available vertebrate species. In addition, the in silico prediction for this alteration is inconclusive. Based on the available evidence, the clinical significance of this variant remains unclear.